The following is an entry in ClinVar:

ClinVar aggregate classification (germline): Conflicting classifications of pathogenicity. Review status: criteria provided, conflicting classifications (1 of 4 stars). 3 submissions from 3 submitters: Uncertain significance (1); Likely benign (2). Last evaluated 2025-09-13.

Conditions:
Hereditary cancer-predisposing syndrome. Also called: Hereditary neoplastic syndrome; Hereditary Cancer Syndrome; Neoplastic Syndromes, Hereditary; Tumor predisposition. Identifiers: Orphanet 140162, MedGen C0027672, MeSH D009386, MONDO:0015356.
Hereditary breast ovarian cancer syndrome. Also called: Hereditary breast and ovarian cancer syndrome; Hereditary breast and ovarian cancer syndrome (HBOC); Breast and ovarian cancer; Hereditary breast and/or ovarian cancer syndrome; Hereditary breast and ovarian cancer; BRCA1- and BRCA2-Associated Hereditary Breast and Ovarian Cancer. Identifiers: Orphanet 145, MedGen C0677776, MeSH D061325, MONDO:0003582. Disease mechanism: loss of function.

gnomAD v4.1: 3 of 1,614,170 alleles (0.00019%); highest among the groups gnomAD compares: East Asian, 0.0067%; no homozygotes.

Submissions (3):

Labcorp Genetics (formerly Invitae), Labcorp
Classification: Uncertain significance for Hereditary breast ovarian cancer syndrome. Last evaluated: 2025-09-13. Review status: criteria provided, single submitter. Criteria: Invitae Variant Classification Sherloc (09022015). Collection method: clinical testing. Allele origin: germline.
Comment: This sequence change replaces valine, which is neutral and non-polar, with leucine, which is neutral and non-polar, at codon 2739 of the BRCA2 protein (p.Val2739Leu). This variant is present in population databases (rs80359069, gnomAD 0.01%). This missense change has been observed in individual(s) with breast and/or ovarian cancer (PMID: 30725392). ClinVar contains an entry for this variant (Variation ID: 230247). Invitae Evidence Modeling of protein sequence and biophysical properties (such as structural, functional, and spatial information, amino acid conservation, physicochemical variation, residue mobility, and thermodynamic stability) indicates that this missense variant is not expected to disrupt BRCA2 protein function with a negative predictive value of 95%. In summary, the available evidence is currently insufficient to determine the role of this variant in disease. Therefore, it has been classified as a Variant of Uncertain Significance.

Color Diagnostics, LLC DBA Color Health
Classification: Likely benign for Hereditary cancer-predisposing syndrome. Last evaluated: 2016-10-11. Review status: criteria provided, single submitter. Criteria: ACMG Guidelines, 2015. Collection method: clinical testing. Allele origin: germline.

Ambry Genetics
Classification: Likely benign for Hereditary cancer-predisposing syndrome. Last evaluated: 2015-02-06. Review status: criteria provided, single submitter. Criteria: Ambry Variant Classification Scheme 2023. Collection method: clinical testing. Allele origin: germline.

Literature cited by the submitters: PubMed 30725392 (cited by Labcorp Genetics (formerly Invitae), Labcorp).

NM_000059.4(BRCA2):c.8215G>C (p.Val2739Leu)

Gene: BRCA2 (BRCA2 DNA repair associated; plus strand). Cytogenetic location: 13q13.1.
Variant type: single nucleotide variant.
Coding change: c.8215G>C on transcript NM_000059.4 (MANE Select); coding-DNA position 8215, G replaced by C.
Protein change: p.Val2739Leu; replaces valine 2739 with leucine.
Molecular consequence: missense variant.
Genome position (GRCh38, 1-based): chr13:32,363,417, G>C. VCF-style: chr13-32363417-G-C. GRCh37 (hg19) VCF-style: chr13-32937554-G-C.
Other names: short protein forms V2739L.
Identifiers: ClinVar variation 230247 (VCV000230247.15), dbSNP rs80359069, ClinGen allele CA6941198.